The following is an entry in ClinVar:

NM_001127178.3(PIGG):c.2248_2250del (p.Lys750del)

Gene: PIGG (phosphatidylinositol glycan anchor biosynthesis class G (EMM blood group); plus strand). Cytogenetic location: 4p16.3.
Variant type: Deletion.
Coding change: c.2248_2250del on transcript NM_001127178.3 (MANE Select); coding-DNA positions 2248 to 2250, 3 bases deleted (AAG; older notation c.2248_2250delAAG).
Protein change: p.Lys750del; deletes lysine 750.
Molecular consequence: inframe deletion. On other transcripts: non-coding transcript variant (10).
Genome position (GRCh38, 1-based): chr4:527,217-527,219, AAG deleted. VCF-style (leftmost placement, unchanged base first): chr4-527216-CAAG-C. GRCh37 (hg19) VCF-style: chr4-521005-CAAG-C.
Other names: c.1981_1983del, p.Lys661del (NM_001289051.2, NM_001345986.2); c.1849_1851del, p.Lys617del (NM_001289052.2); c.1957_1959del, p.Lys653del (NM_001345987.2); c.1219_1221del, p.Lys407del (NM_001345988.2); c.715_717del, p.Lys239del (NM_001345990.2, NM_001345991.2); c.1150_1152del, p.Lys384del (NM_001345994.2); c.2224_2226del, p.Lys742del (NM_017733.5); short protein forms K407del, K661del, K239del, K384del, K617del, K653del, K750del, K742del.
Identifiers: ClinVar variation 1429102 (VCV001429102.6), dbSNP rs2108996176, ClinGen allele CA2573137450.

ClinVar aggregate classification (germline): Uncertain significance (1 of 4 stars; one submission).

Conditions:
Intellectual disability, autosomal recessive 53 (NEDHSCA). Also called: GLYCOSYLPHOSPHATIDYLINOSITOL BIOSYNTHESIS DEFECT 13; Mental retardation, autosomal recessive 53; NEURODEVELOPMENTAL DISORDER WITH OR WITHOUT HYPOTONIA, SEIZURES, AND CEREBELLAR ATROPHY. Identifiers: Orphanet 488635, MedGen C4310794, MONDO:0014832, OMIM 616917.

Submission:

Labcorp Genetics (formerly Invitae), Labcorp
Classification: Uncertain significance for Intellectual disability, autosomal recessive 53. Last evaluated: 2026-01-12. Review status: criteria provided, single submitter. Criteria: Invitae Variant Classification Sherloc (09022015). Collection method: clinical testing. Allele origin: germline.
Comment: This variant, c.2248_2250del, results in the deletion of 1 amino acid(s) of the PIGG protein (p.Lys750del), but otherwise preserves the integrity of the reading frame. This variant is not present in population databases (gnomAD no frequency). This variant has not been reported in the literature in individuals affected with PIGG-related conditions. ClinVar contains an entry for this variant (Variation ID: 1429102). Experimental studies and prediction algorithms are not available or were not evaluated, and the functional significance of this variant is currently unknown. In summary, the available evidence is currently insufficient to determine the role of this variant in disease. Therefore, it has been classified as a Variant of Uncertain Significance.